The following is an entry in ClinVar:

ClinVar aggregate classification (germline): Uncertain significance. Review status: criteria provided, multiple submitters, no conflicts (2 of 4 stars). 4 submissions from 4 submitters: Uncertain significance (4). Last evaluated 2025-11-11.

Conditions:
POLE-related disorder. Also called: POLE-related disorders; POLE-related condition.
Hereditary cancer-predisposing syndrome. Also called: Neoplastic Syndromes, Hereditary; Hereditary neoplastic syndrome; Hereditary Cancer Syndrome; Tumor predisposition. Identifiers: Orphanet 140162, MedGen C0027672, MeSH D009386, MONDO:0015356.

Allele frequency attached by ClinVar (database versions not stated): TOPMed 0.00001.
gnomAD v4.1: 15 of 1,607,302 alleles (0.00093%); highest among the groups gnomAD compares: Non-Finnish European, 0.001%; no homozygotes.

Submissions (4):

Labcorp Genetics (formerly Invitae), Labcorp
Classification: Uncertain significance. Last evaluated: 2025-11-11. Review status: criteria provided, single submitter. Criteria: Invitae Variant Classification Sherloc (09022015). Collection method: clinical testing. Allele origin: germline.
Comment: This sequence change replaces asparagine, which is neutral and polar, with isoleucine, which is neutral and non-polar, at codon 1746 of the POLE protein (p.Asn1746Ile). This variant is present in population databases (no rsID available, gnomAD 0.002%). This variant has not been reported in the literature in individuals affected with POLE-related conditions. ClinVar contains an entry for this variant (Variation ID: 240554). Invitae Evidence Modeling of protein sequence and biophysical properties (such as structural, functional, and spatial information, amino acid conservation, physicochemical variation, residue mobility, and thermodynamic stability) indicates that this missense variant is not expected to disrupt POLE protein function with a negative predictive value of 80%. In summary, the available evidence is currently insufficient to determine the role of this variant in disease. Therefore, it has been classified as a Variant of Uncertain Significance.

PreventionGenetics, part of Exact Sciences
Classification: Uncertain significance for POLE-related condition. Last evaluated: 2025-08-12. Review status: criteria provided, single submitter. Criteria: ACMG Guidelines, 2015. Collection method: clinical testing. Allele origin: germline.
Comment: The POLE c.5237A>T variant is predicted to result in the amino acid substitution p.Asn1746Ile. To our knowledge, this variant has not been reported in the literature. This variant is reported in 0.0023% of alleles in individuals of European (Non-Finnish) descent in gnomAD and is classified as a variant of uncertain significance in ClinVar (Variation ID: 240554). At this time, the clinical significance of this variant is uncertain due to the absence of conclusive functional and genetic evidence.

Ambry Genetics
Classification: Uncertain significance for Hereditary cancer-predisposing syndrome. Last evaluated: 2025-06-18. Review status: criteria provided, single submitter. Criteria: Ambry Variant Classification Scheme 2023. Collection method: clinical testing. Allele origin: germline.
Comment: The p.N1746I variant (also known as c.5237A>T), located in coding exon 39 of the POLE gene, results from an A to T substitution at nucleotide position 5237. The asparagine at codon 1746 is replaced by isoleucine, an amino acid with dissimilar properties. This amino acid position is highly conserved in available vertebrate species. In addition, the in silico prediction for this alteration is inconclusive. Based on the available evidence, the clinical significance of this variant remains unclear.

GeneDx
Classification: Uncertain significance. Last evaluated: 2024-02-27. Review status: criteria provided, single submitter. Criteria: GeneDx Variant Classification Process June 2021. Collection method: clinical testing. Allele origin: germline. Affected: yes.
Comment: Not observed at significant frequency in large population cohorts (gnomAD); In silico analysis supports that this missense variant has a deleterious effect on protein structure/function; Has not been previously published as pathogenic or benign to our knowledge; This variant is associated with the following publications: (PMID: 27720647)

NM_006231.4(POLE):c.5237A>T (p.Asn1746Ile)

Gene: POLE (DNA polymerase epsilon, catalytic subunit; minus strand). Cytogenetic location: 12q24.33.
Variant type: single nucleotide variant.
Coding change: c.5237A>T on transcript NM_006231.4 (MANE Select); coding-DNA position 5237, A replaced by T.
Protein change: p.Asn1746Ile; replaces asparagine 1746 with isoleucine.
Molecular consequence: missense variant.
Genome position (GRCh38, 1-based): chr12:132,641,788, T>A on the plus strand (A>T on the coding strand, the complement: POLE is on the minus strand). VCF-style: chr12-132641788-T-A. GRCh37 (hg19) VCF-style: chr12-133218374-T-A.
Other names: short protein forms N1746I.
Identifiers: ClinVar variation 240554 (VCV000240554.16), dbSNP rs377461656, ClinGen allele CA10582978.
Genomic context (GRCh38, chr12:132,641,788, plus strand): 5'-AGGGAGGCCTGCTGGATCACGTCGAAGCTGATCCCCATGCTGTCGGCCCCCTCCATGTCG[T>A]TGACATGGTGAGACTGGAGAATGGTGTTGACGGCCAGGTTCTGAAGGTCCAGCTCCACAC-3'
Protein context (NP_006222.2, residues 1736-1756): VNTILQSHHV[Asn1746Ile]DMEGADSMGI